The following is an entry in ClinVar:

ClinVar aggregate classification (germline): Likely benign. Review status: criteria provided, multiple submitters, no conflicts (2 of 4 stars). 2 submissions from 2 submitters: Likely benign (2). Last evaluated 2025-10-08.

Allele frequency attached by ClinVar (database versions not stated): ESP Exome Variant Server 0.00008.
gnomAD v4.1: 86 of 1,613,830 alleles (0.0053%); highest among the groups gnomAD compares: Middle Eastern, 0.016%; no homozygotes.

Submissions (2):

Labcorp Genetics (formerly Invitae), Labcorp
Classification: Likely benign. Last evaluated: 2025-10-08. Review status: criteria provided, single submitter. Criteria: Invitae Variant Classification Sherloc (09022015). Collection method: clinical testing. Allele origin: germline.

CeGaT Center for Human Genetics Tuebingen
Classification: Likely benign. Last evaluated: 2023-12-01. Review status: criteria provided, single submitter. Criteria: CeGaT Center For Human Genetics Tuebingen Variant Classification Criteria Version 2. Collection method: clinical testing. Allele origin: germline. Affected: yes. Observed: 2 variant alleles.
Comment: POC1A: BP4, BP7

NM_015426.5(POC1A):c.234C>A (p.Ser78=)

Gene: POC1A (POC1 centriolar protein A; minus strand). Cytogenetic location: 3p21.2.
Variant type: single nucleotide variant.
Coding change: c.234C>A on transcript NM_015426.5 (MANE Select); coding-DNA position 234, C replaced by A.
Protein change: p.Ser78=; no amino-acid change (serine 78 retained).
Molecular consequence: synonymous variant.
Genome position (GRCh38, 1-based): chr3:52,149,857, G>T on the plus strand (C>A on the coding strand, the complement: POC1A is on the minus strand). VCF-style: chr3-52149857-G-T. GRCh37 (hg19) VCF-style: chr3-52183873-G-T.
Other names: c.234C>A, p.Ser78= (NM_001161580.2); c.120C>A, p.Ser40= (NM_001161581.2).
Identifiers: ClinVar variation 1442115 (VCV001442115.36), dbSNP rs145976901, ClinGen allele CA2429703.